The following is an entry in ClinVar:

NM_001099922.3(ALG13):c.424G>A (p.Ala142Thr)

Gene: ALG13 (ALG13 UDP-N-acetylglucosaminyltransferase subunit; plus strand). Cytogenetic location: Xq23.
Variant type: single nucleotide variant.
Coding change: c.424G>A on transcript NM_001099922.3 (MANE Select); coding-DNA position 424, G replaced by A.
Protein change: p.Ala142Thr; replaces alanine 142 with threonine.
Molecular consequence: missense variant. On other transcripts: non-coding transcript variant (1).
Genome position (GRCh38, 1-based): chrX:111,708,067, G>A. VCF-style: chrX-111708067-G-A. GRCh37 (hg19) VCF-style: chrX-110951295-G-A.
Other names: c.112G>A, p.Ala38Thr (NM_001257230.2, NM_001257234.2, NM_001257237.2 and 1 more transcripts); c.190G>A, p.Ala64Thr (NM_001257231.2); c.424G>A, p.Ala142Thr (NM_001324292.2); short protein forms A38T, A64T, A142T.
Identifiers: ClinVar variation 1041382 (VCV001041382.9), dbSNP rs1939098208, ClinGen allele CA414249277.

ClinVar aggregate classification (germline): Uncertain significance (1 of 4 stars; one submission).

Conditions:
Developmental and epileptic encephalopathy, 36 (DEE36). Also called: ALG13-CDG; Congenital disorder of glycosylation, type Is; Epileptic encephalopathy, early infantile, 36. Identifiers: Orphanet 324422, MedGen C4317295, MONDO:0010472, OMIM 300884.

Allele frequency attached by ClinVar (database versions not stated): gnomAD exomes below 0.00001.
gnomAD v4.1: 1 of 1,210,498 alleles (0.000083%); highest among the groups gnomAD compares: Non-Finnish European, 0.00011%; no homozygotes.

Submission:

Labcorp Genetics (formerly Invitae), Labcorp
Classification: Uncertain significance for Developmental and epileptic encephalopathy, 36. Last evaluated: 2024-10-23. Review status: criteria provided, single submitter. Criteria: Invitae Variant Classification Sherloc (09022015). Collection method: clinical testing. Allele origin: germline.
Comment: This sequence change replaces alanine, which is neutral and non-polar, with threonine, which is neutral and polar, at codon 142 of the ALG13 protein (p.Ala142Thr). This variant is not present in population databases (gnomAD no frequency). This variant has not been reported in the literature in individuals affected with ALG13-related conditions. ClinVar contains an entry for this variant (Variation ID: 1041382). Invitae Evidence Modeling of protein sequence and biophysical properties (such as structural, functional, and spatial information, amino acid conservation, physicochemical variation, residue mobility, and thermodynamic stability) indicates that this missense variant is not expected to disrupt ALG13 protein function with a negative predictive value of 95%. In summary, the available evidence is currently insufficient to determine the role of this variant in disease. Therefore, it has been classified as a Variant of Uncertain Significance.